The following is an entry in ClinVar:

NM_000443.4(ABCB4):c.3680T>A (p.Ile1227Asn)

Gene: ABCB4 (ATP binding cassette subfamily B member 4; minus strand). Cytogenetic location: 7q21.12.
Variant type: single nucleotide variant.
Coding change: c.3680T>A on transcript NM_000443.4 (MANE Select); coding-DNA position 3680, T replaced by A.
Protein change: p.Ile1227Asn; replaces isoleucine 1227 with asparagine.
Molecular consequence: missense variant.
Genome position (GRCh38, 1-based): chr7:87,402,256, A>T on the plus strand (T>A on the coding strand, the complement: ABCB4 is on the minus strand). VCF-style: chr7-87402256-A-T. GRCh37 (hg19) VCF-style: chr7-87031572-A-T.
Other names: c.3701T>A, p.Ile1234Asn (NM_018849.3); c.3539T>A, p.Ile1180Asn (NM_018850.3); short protein forms I1180N, I1227N, I1234N.
Identifiers: ClinVar variation 4995316 (VCV004995316.1).

ClinVar aggregate classification (germline): Uncertain significance (1 of 4 stars; one submission).

Conditions:
ABCB4-related disorder. Also called: ABCB4-related disorders; ABCB4-related condition.

Submission:

PreventionGenetics, part of Exact Sciences
Classification: Uncertain significance for ABCB4-related condition. Last evaluated: 2026-05-29. Review status: criteria provided, single submitter. Criteria: ACMG Guidelines, 2015. Collection method: clinical testing. Allele origin: germline.
Comment: The ABCB4 c.3680T>A variant is predicted to result in the amino acid substitution p.Ile1227Asn. To our knowledge, this variant has not been reported in the literature or in a large population database (gnomAD), indicating this variant is rare. An alternate missense change at the same amino acid position (p.Ile1227Thr) has been reported in the compound heterozygous state in an individual with gastrointestinal/liver disease (reported as p.Ile1234Thr, Quaio et al. 2020. PubMed ID: 33258288) and in an individual with progressive familial intrahepatic cholestasis type (Oliveira et al. 2017. PubMed ID: 30755924). At this time, the clinical significance of the p.Ile1227Asn variant is uncertain due to the absence of conclusive functional and genetic evidence.